The following is an entry in ClinVar:

NM_007294.4(BRCA1):c.5332+1G>C

Gene: BRCA1 (BRCA1 DNA repair associated; minus strand). Cytogenetic location: 17q21.31.
Variant type: single nucleotide variant.
Coding change: c.5332+1G>C on transcript NM_007294.4 (MANE Select); the canonical splice donor site of the intron after coding-DNA position 5332, G replaced by C.
Molecular consequence: splice donor variant. On other transcripts: intron variant (2).
Genome position (GRCh38, 1-based): chr17:43,051,062, C>G on the plus strand (G>C on the coding strand, the complement: BRCA1 is on the minus strand). VCF-style: chr17-43051062-C-G. GRCh37 (hg19) VCF-style: chr17-41203079-C-G.
Other names: c.1882+1G>C (NM_001408452.1, NM_001408457.1, NM_001408454.1 and 3 more transcripts); c.5185+1G>C (NM_001407850.1, NM_001407844.1, NM_001407851.1 and 12 more transcripts); c.5188+1G>C (NM_001407752.1, NM_001407944.1, NM_001407734.1 and 21 more transcripts); c.5191+1G>C (NM_001407730.1, NM_001407692.1, NM_001407729.1 and 13 more transcripts); c.5062+1G>C (NM_001407934.1, NM_001407935.1, NM_001407936.1); c.1759+1G>C (NM_001408497.1, NM_001408500.1, NM_001408496.1 and 3 more transcripts); c.2023+1G>C (NM_001407973.1, NM_001407975.1, NM_001407977.1 and 3 more transcripts); c.5332+1G>C (NM_001407596.1, NM_001407597.1, NM_001407605.1 and 6 more transcripts); and 74 more.
Identifiers: ClinVar variation 55528 (VCV000055528.25), dbSNP rs80358041, ClinGen allele CA003485.

ClinVar aggregate classification (germline): Pathogenic. Review status: criteria provided, multiple submitters, no conflicts (2 of 4 stars). 7 submissions from 7 submitters: Pathogenic (6). 1 of the submissions does not count toward it. Last evaluated 2025-10-15.

Conditions:
Breast-ovarian cancer, familial, susceptibility to, 1 (BROVCA1). Also called: BRCA1 Hereditary Breast and Ovarian Cancer; OVARIAN CANCER, SUSCEPTIBILITY TO. Identifiers: Orphanet 145, MedGen C2676676, MONDO:0011450, OMIM 604370. Disease mechanism: loss of function.
Hereditary cancer-predisposing syndrome. Also called: Hereditary Cancer Syndrome; Hereditary neoplastic syndrome; Neoplastic Syndromes, Hereditary; Tumor predisposition. Identifiers: Orphanet 140162, MedGen C0027672, MeSH D009386, MONDO:0015356.
Hereditary breast ovarian cancer syndrome. Also called: BRCA1- and BRCA2-Associated Hereditary Breast and Ovarian Cancer; Hereditary breast and ovarian cancer syndrome; Hereditary breast and ovarian cancer syndrome (HBOC); Breast and ovarian cancer; Hereditary breast and/or ovarian cancer syndrome; Hereditary breast and ovarian cancer. Identifiers: Orphanet 145, MedGen C0677776, MeSH D061325, MONDO:0003582. Disease mechanism: loss of function.

gnomAD v4.1: 2 of 1,613,860 alleles (0.00012%); no homozygotes.

Submissions (8):

Color Diagnostics, LLC DBA Color Health
Classification: Pathogenic for Hereditary cancer-predisposing syndrome. Last evaluated: 2025-10-15. Review status: criteria provided, single submitter. Criteria: ACMG Guidelines, 2015. Collection method: clinical testing. Allele origin: germline.
Comment: This variant causes a G to C nucleotide substitution at the +1 position of intron 20 of the BRCA1 gene. Splice site prediction tools predict that this variant may have a significant impact on RNA splicing. A different mutation at this position, c.5332+1G>A, has been shown to cause the out-of-frame skipping of exon 20, resulting in a premature truncation and expected absent or non-functional protein product (PMID: 23451180, 24667779). A functional study has reported that this variant impacts BRCA1 function in a haploid cell proliferation assay (PMID: 30209399). This variant has been reported in at least eight individuals affected with breast or ovarian cancer and has been described as a recurrent mutation in the Chinese population (PMID: 16835750, 20960228, 21901790, 30702160Color internal data) This variant has not been identified in the general population by the Genome Aggregation Database (gnomAD). Loss of BRCA1 function is a known mechanism of disease. Based on the available evidence, this variant is classified as Pathogenic.

Ambry Genetics
Classification: Pathogenic for Hereditary cancer-predisposing syndrome. Last evaluated: 2024-04-04. Review status: criteria provided, single submitter. Criteria: Ambry Variant Classification Scheme 2023. Collection method: clinical testing. Allele origin: germline.
Comment: The c.5332+1G>C intronic pathogenic mutation results from a G to C substitution one nucleotide after coding exon 19 of the BRCA1 gene. Alterations that disrupt the canonical splice site are expected to cause aberrant splicing, resulting in an abnormal protein or a transcript that is subject to nonsense-mediated mRNA decay. This variant was observed in cohorts of patients with breast cancer (Deng M et al. Int J Cancer, 2019 Sep;145:1517-1528) and ovarian cancer (Carter NJ et al. Gynecol Oncol, 2018 Dec;151:481-488). Additionally, one functional study found that this nucleotide substitution is non-functional in a high throughput genome editing haploid cell survival assay (Findlay GM et al. Nature, 2018 Oct;562:217-222). This variant is considered to be rare based on population cohorts in the Genome Aggregation Database (gnomAD). This nucleotide position is highly conserved in available vertebrate species. In silico splice site analysis predicts that this alteration will weaken the native splice donor site; however, direct evidence is insufficient at this time (Ambry internal data). Based on the supporting evidence, this alteration is interpreted as a disease-causing mutation.

Baylor Genetics
Classification: Pathogenic for Breast-ovarian cancer, familial, susceptibility to, 1. Last evaluated: 2023-11-16. Review status: criteria provided, single submitter. Criteria: ACMG Guidelines, 2015. Collection method: clinical testing. Allele origin: unknown.

Labcorp Genetics (formerly Invitae), Labcorp
Classification: Pathogenic for Hereditary breast ovarian cancer syndrome. Last evaluated: 2022-02-19. Review status: criteria provided, single submitter. Criteria: Invitae Variant Classification Sherloc (09022015). Collection method: clinical testing. Allele origin: germline.
Comment: This sequence change affects a donor splice site in intron 20 of the BRCA1 gene. It is expected to disrupt RNA splicing. Variants that disrupt the donor or acceptor splice site typically lead to a loss of protein function (PMID: 16199547), and loss-of-function variants in BRCA1 are known to be pathogenic (PMID: 20104584). This variant is not present in population databases (gnomAD no frequency). Disruption of this splice site has been observed in individual(s) with breast and/or ovarian cancer (PMID: 16324400, 16456781, 20960228). This variant is also known as 5451+1G>C. ClinVar contains an entry for this variant (Variation ID: 55528). Algorithms developed to predict the effect of sequence changes on RNA splicing suggest that this variant may disrupt the consensus splice site. This variant disrupts the c.5332+1G nucleotide in the BRCA1 gene. Other variant(s) that disrupt this nucleotide have been determined to be pathogenic (PMID: 11084537, 19629752, 23451180, 24667779). This suggests that this nucleotide is clinically significant, and that variants that disrupt this position are likely to be disease-causing. For these reasons, this variant has been classified as Pathogenic.

Revvity Omics, Revvity
Classification: Pathogenic. Last evaluated: 2020-07-24. Review status: criteria provided, single submitter. Criteria: ACMG Guidelines, 2015. Collection method: clinical testing. Allele origin: germline.

GeneDx
Classification: Pathogenic. Last evaluated: 2015-11-03. Review status: criteria provided, single submitter. Criteria: GeneDx Variant Classification (06012015). Collection method: clinical testing. Allele origin: germline. Affected: yes.
Comment: This variant is denoted BRCA1 c.5332+1G>C or IVS20+1G>C and consists of a G>C nucleotide substitution at the +1 position of intron 20 of the BRCA1 gene. Using alternate nomenclature, this variant would be defined as BRCA1 5451+1G>C. This variant destroys a canonical splice donor site and is predicted to cause abnormal gene splicing, leading to either an abnormal message that is subject to nonsense-mediated mRNA decay or to an abnormal protein product. This variant has been reported as a recurrent pathogenic variant in the Chinese population (Pan 2011). Based on the current evidence, we consider this variant to be pathogenic.

Counsyl
Classification: Pathogenic for Breast-ovarian cancer, familial, susceptibility to, 1. Last evaluated: 2017-11-15. Review status: no assertion criteria provided. Collection method: clinical testing. Allele origin: unknown. Not counted in ClinVar's aggregate classification.

Brotman Baty Institute, University of Washington
No classification provided (evidence only). Condition: Breast-ovarian cancer, familial 1. Review status: no classification provided. Collection method: in vitro. Allele origin: not applicable. Functional consequence: functionally_abnormal. Not counted in ClinVar's aggregate classification.
ClinVar note: "not provided" was previously submitted as the classification for the variant. However, the classification appeared to be based only on an observation of functional data so it was converted to no classification on 2025-07-30.

Literature cited by the submitters: PubMed 16835750 (cited by Color Diagnostics, LLC DBA Color Health); PubMed 20960228 (cited by 3 submitters); PubMed 21901790 (cited by Color Diagnostics, LLC DBA Color Health); PubMed 23451180 (cited by Color Diagnostics, LLC DBA Color Health and Labcorp Genetics (formerly Invitae), Labcorp); PubMed 24667779 (cited by Color Diagnostics, LLC DBA Color Health and Labcorp Genetics (formerly Invitae), Labcorp); PubMed 30209399 (cited by Color Diagnostics, LLC DBA Color Health and Ambry Genetics); PubMed 30702160 (cited by Color Diagnostics, LLC DBA Color Health); PubMed 30322717 (cited by Ambry Genetics); PubMed 30720863 (cited by Ambry Genetics); PubMed 16199547 (cited by Labcorp Genetics (formerly Invitae), Labcorp); PubMed 20104584 (cited by Labcorp Genetics (formerly Invitae), Labcorp); PubMed 16324400 (cited by Labcorp Genetics (formerly Invitae), Labcorp); PubMed 16456781 (cited by Labcorp Genetics (formerly Invitae), Labcorp); PubMed 11084537 (cited by Labcorp Genetics (formerly Invitae), Labcorp); PubMed 19629752 (cited by Labcorp Genetics (formerly Invitae), Labcorp); PubMed 17851763 (cited by Counsyl).